The following is an entry in ClinVar:

NM_032242.4(PLXNA1):c.3070G>A (p.Ala1024Thr)

Gene: PLXNA1 (plexin A1; plus strand). Cytogenetic location: 3q21.3.
Variant type: single nucleotide variant.
Coding change: c.3070G>A on transcript NM_032242.4 (MANE Select); coding-DNA position 3070, G replaced by A.
Protein change: p.Ala1024Thr; replaces alanine 1024 with threonine.
Molecular consequence: missense variant.
Genome position (GRCh38, 1-based): chr3:127,016,572, G>A. VCF-style: chr3-127016572-G-A. GRCh37 (hg19) VCF-style: chr3-126735415-G-A.
Other names: short protein forms A1024T.
Identifiers: ClinVar variation 2634947 (VCV002634947.1), dbSNP rs776772758, ClinGen allele CA2593885.

ClinVar aggregate classification (germline): Uncertain significance (1 of 4 stars; one submission).

Conditions:
PLXNA1-related disorder. Also called: PLXNA1-related condition.

Allele frequency attached by ClinVar (database versions not stated): ExAC 0.00001; gnomAD exomes 0.00002; TOPMed 0.00002.
gnomAD v4.1: 26 of 1,613,936 alleles (0.0016%); highest among the groups gnomAD compares: Non-Finnish European, 0.0019%; no homozygotes.

Submission:

PreventionGenetics, part of Exact Sciences
Classification: Uncertain significance for PLXNA1-related condition. Last evaluated: 2023-08-29. Review status: criteria provided, single submitter. Criteria: ACMG Guidelines, 2015. Collection method: clinical testing. Allele origin: germline.
Comment: The PLXNA1 c.3070G>A variant is predicted to result in the amino acid substitution p.Ala1024Thr. To our knowledge, this variant has not been reported in the literature. This variant is reported in 0.0033% of alleles in individuals of South Asian descent in gnomAD. At this time, the clinical significance of this variant is uncertain due to the absence of conclusive functional and genetic evidence.